The following is an entry in ClinVar:

ClinVar aggregate classification (germline): Pathogenic (1 of 4 stars; one submission).

Conditions:
6-Pyruvoyl-tetrahydrobiopterin synthase deficiency. Also called: PTS DEFICIENCY; 6-Pyruvoyltetrahydropterin Synthase Deficiency; HYPERPHENYLALANINEMIA, TETRAHYDROBIOPTERIN-DEFICIENT, DUE TO PTS DEFICIENCY; PTS-Related Tetrahydrobiopterin Deficiency; BH4-deficient hyperphenylalaninemia A; Hyperphenylalanemia, BH4-deficient, A. Identifiers: Orphanet 13, Orphanet 238583, MedGen C0878676, MONDO:0009863, OMIM 261640.

Submission:

Labcorp Genetics (formerly Invitae), Labcorp
Classification: Pathogenic for 6-Pyruvoyl-tetrahydrobiopterin synthase deficiency. Last evaluated: 2022-04-09. Review status: criteria provided, single submitter. Criteria: Invitae Variant Classification Sherloc (09022015). Collection method: clinical testing. Allele origin: germline.
Comment: This variant is a gross deletion of the genomic region encompassing exon(s) 1 of the PTS gene, which includes the initiator codon. This deletion extends beyond the assayed region for this gene and therefore may encompass additional genes. It is expected to result in an absent or disrupted protein product. Loss-of-function variants in PTS are known to be pathogenic (PMID: 3297709, 16917893). This variant has not been reported in the literature in individuals affected with PTS-related conditions. For these reasons, this variant has been classified as Pathogenic.

Literature cited by the submitters: PubMed 3297709; PubMed 16917893.

NC_000011.10:g.(?_112226434)_(112226536_?)del

Gene: PTS (6-pyruvoyltetrahydropterin synthase; plus strand). Cytogenetic location: 11q23.1.
Variant type: Deletion.
Identifiers: ClinVar variation 832307 (VCV000832307.8).